The following is an entry in ClinVar:

ClinVar aggregate classification (germline): Uncertain significance (1 of 4 stars; one submission).

Allele frequency attached by ClinVar (database versions not stated): TOPMed below 0.00001; gnomAD 0.00001.
gnomAD v4.1: 5 of 1,614,016 alleles (0.00031%); highest among the groups gnomAD compares: Admixed American, 0.0083%; no homozygotes.

Submission:

Labcorp Genetics (formerly Invitae), Labcorp
Classification: Uncertain significance. Last evaluated: 2024-08-05. Review status: criteria provided, single submitter. Criteria: Invitae Variant Classification Sherloc (09022015). Collection method: clinical testing. Allele origin: germline.
Comment: This sequence change replaces lysine, which is basic and polar, with asparagine, which is neutral and polar, at codon 836 of the VPS13D protein (p.Lys836Asn). This variant is present in population databases (no rsID available, gnomAD 0.009%). This variant has not been reported in the literature in individuals affected with VPS13D-related conditions. ClinVar contains an entry for this variant (Variation ID: 1922949). Advanced modeling of protein sequence and biophysical properties (such as structural, functional, and spatial information, amino acid conservation, physicochemical variation, residue mobility, and thermodynamic stability) performed at Invitae indicates that this missense variant is expected to disrupt VPS13D protein function with a positive predictive value of 80%. In summary, the available evidence is currently insufficient to determine the role of this variant in disease. Therefore, it has been classified as a Variant of Uncertain Significance.

NM_015378.4(VPS13D):c.2508G>T (p.Lys836Asn)

Gene: VPS13D (vacuolar protein sorting 13 homolog D; plus strand). Cytogenetic location: 1p36.22.
Variant type: single nucleotide variant.
Coding change: c.2508G>T on transcript NM_015378.4 (MANE Select); coding-DNA position 2508, G replaced by T.
Protein change: p.Lys836Asn; replaces lysine 836 with asparagine.
Molecular consequence: missense variant.
Genome position (GRCh38, 1-based): chr1:12,276,096, G>T. VCF-style: chr1-12276096-G-T. GRCh37 (hg19) VCF-style: chr1-12336153-G-T.
Other names: c.2508G>T, p.Lys836Asn (NM_018156.4); short protein forms K836N.
Identifiers: ClinVar variation 1922949 (VCV001922949.5), dbSNP rs1042595463, ClinGen allele CA18041800.